The following is an entry in ClinVar:

ClinVar aggregate classification (germline): Conflicting classifications of pathogenicity. Review status: criteria provided, conflicting classifications (1 of 4 stars). 2 submissions from 2 submitters: Likely pathogenic (1); Uncertain significance (1). Last evaluated 2023-09-13.

Conditions:
Hereditary breast ovarian cancer syndrome. Also called: Hereditary breast and/or ovarian cancer syndrome; BRCA1- and BRCA2-Associated Hereditary Breast and Ovarian Cancer; Hereditary breast and ovarian cancer syndrome; Hereditary breast and ovarian cancer; Hereditary breast and ovarian cancer syndrome (HBOC); Breast and ovarian cancer. Identifiers: Orphanet 145, MedGen C0677776, MeSH D061325, MONDO:0003582. Disease mechanism: loss of function.
Breast-ovarian cancer, familial, susceptibility to, 1 (BROVCA1). Also called: BRCA1 Hereditary Breast and Ovarian Cancer; OVARIAN CANCER, SUSCEPTIBILITY TO. Identifiers: Orphanet 145, MedGen C2676676, MONDO:0011450, OMIM 604370. Disease mechanism: loss of function.

Submissions (3):

Myriad Genetics, Inc.
Classification: Likely pathogenic for Breast-ovarian cancer, familial, susceptibility to, 1. Last evaluated: 2023-09-13. Review status: criteria provided, single submitter. Criteria: Myriad Autosomal Dominant, Autosomal Recessive and X-Linked Classification Criteria (2023). Collection method: clinical testing. Allele origin: unknown.
Comment: This variant is considered likely pathogenic. Functional studies indicate this variant impacts protein function [PMID: 30209399, 35196514].

Labcorp Genetics (formerly Invitae), Labcorp
Classification: Uncertain significance for Hereditary breast ovarian cancer syndrome. Last evaluated: 2021-11-24. Review status: criteria provided, single submitter. Criteria: Invitae Variant Classification Sherloc (09022015). Collection method: clinical testing. Allele origin: germline.
Comment: ClinVar contains an entry for this variant (Variation ID: 864945). In summary, the available evidence is currently insufficient to determine the role of this variant in disease. Therefore, it has been classified as a Variant of Uncertain Significance. Experimental studies have shown that this missense change affects BRCA1 function (PMID: 30209399). Advanced modeling of experimental studies (such as gene expression, population dynamics, functional pathways, and cell-cycle effects in cell culture) performed at Invitae indicates that this missense variant is expected to disrupt BRCA1 protein function. This missense change has been observed in individual(s) with breast cancer (PMID: 10464631). This variant is not present in population databases (gnomAD no frequency). This sequence change replaces arginine, which is basic and polar, with glycine, which is neutral and non-polar, at codon 1835 of the BRCA1 protein (p.Arg1835Gly).

Brotman Baty Institute, University of Washington
No classification provided (evidence only). Condition: Breast-ovarian cancer, familial 1. Review status: no classification provided. Collection method: in vitro. Allele origin: not applicable. Functional consequence: functionally_abnormal. Not counted in ClinVar's aggregate classification.
ClinVar note: "not provided" was previously submitted as the classification for the variant. However, the classification appeared to be based only on an observation of functional data so it was converted to no classification on 2025-07-30.

Literature cited by the submitters: PubMed 30209399 (cited by Myriad Genetics, Inc. and Labcorp Genetics (formerly Invitae), Labcorp); PubMed 35196514 (cited by Myriad Genetics, Inc.); PubMed 10464631 (cited by Labcorp Genetics (formerly Invitae), Labcorp).

NM_007294.4(BRCA1):c.5503C>G (p.Arg1835Gly)

Gene: BRCA1 (BRCA1 DNA repair associated; minus strand). Cytogenetic location: 17q21.31.
Variant type: single nucleotide variant.
Coding change: c.5503C>G on transcript NM_007294.4 (MANE Select); coding-DNA position 5503, C replaced by G.
Protein change: p.Arg1835Gly; replaces arginine 1835 with glycine.
Molecular consequence: missense variant. On other transcripts: 3 prime UTR variant (1), non-coding transcript variant (1).
Genome position (GRCh38, 1-based): chr17:43,045,767, G>C on the plus strand (C>G on the coding strand, the complement: BRCA1 is on the minus strand). VCF-style: chr17-43045767-G-C. GRCh37 (hg19) VCF-style: chr17-41197784-G-C.
Other names: c.5425C>G, p.Arg1809Gly (NM_001407654.1, NM_001407655.1, NM_001407652.1 and 1 more transcripts); c.5422C>G, p.Arg1808Gly (NM_001407656.1, NM_001407657.1, NM_001407658.1); c.5419C>G, p.Arg1807Gly (NM_001407659.1, NM_001407660.1, NM_001407661.1 and 2 more transcripts); c.2191C>G, p.Arg731Gly (NM_001407993.1, NM_001407979.1, NM_001407980.1 and 11 more transcripts); c.2188C>G, p.Arg730Gly (NM_001408392.1, NM_001408396.1, NM_001408397.1 and 7 more transcripts); c.2068C>G, p.Arg690Gly (NM_001408434.1, NM_001408435.1, NM_001408436.1 and 10 more transcripts); c.1930C>G, p.Arg644Gly (NM_001408497.1, NM_001408498.1, NM_001408499.1 and 3 more transcripts); c.1927C>G, p.Arg643Gly (NM_001408502.1, NM_001408503.1, NM_001408504.1); and 74 more; short protein forms R1856G, R731G, R1788G, R1835G, R1538G, R1707G, R1722G, R1723G.
Identifiers: ClinVar variation 864945 (VCV000864945.10), dbSNP rs41293465, ClinGen allele CA10590305.